The following is an entry in ClinVar:

NM_001029871.4(RSPO4):c.262T>G (p.Cys88Gly)

Gene: RSPO4 (R-spondin 4; minus strand). Cytogenetic location: 20p13.
Variant type: single nucleotide variant.
Coding change: c.262T>G on transcript NM_001029871.4 (MANE Select); coding-DNA position 262, T replaced by G.
Protein change: p.Cys88Gly; replaces cysteine 88 with glycine.
Molecular consequence: missense variant.
Genome position (GRCh38, 1-based): chr20:967,956, A>C on the plus strand (T>G on the coding strand, the complement: RSPO4 is on the minus strand). VCF-style: chr20-967956-A-C. GRCh37 (hg19) VCF-style: chr20-948599-A-C.
Other names: c.262T>G, p.Cys88Gly (NM_001040007.3); short protein forms C88G.
Identifiers: ClinVar variation 4875130 (VCV004875130.2).
Genomic context (GRCh38, chr20:967,956, plus strand): 5'-CCCATGGTGTCTAGGAGCCCAGCACTAGCATAGAACAAGGGAGAAGCCACGTACTTTTGC[A>C]CCTGTTGACCTCCTGGCCGCGGATGCCGAAGTACCCAGGGGGACAGTCGTGCAGGCACTT-3'
Protein context (NP_001025042.2, residues 78-98): FGIRGQEVNR[Cys88Gly]KKCGATCESC

ClinVar aggregate classification (germline): Uncertain significance (1 of 4 stars; one submission).

Submission:

CeGaT Center for Human Genetics Tuebingen
Classification: Uncertain significance. Last evaluated: 2026-06-01. Review status: criteria provided, single submitter. Criteria: CeGaT Center For Human Genetics Tuebingen Variant Classification Criteria Version 2. Collection method: clinical testing. Allele origin: germline. Affected: yes. Observed: 1 variant allele.
Comment: RSPO4: PM2, PM3:Supporting, PP4